The following is an entry in ClinVar:

ClinVar aggregate classification (germline): Uncertain significance (1 of 4 stars; one submission).

Submission:

Ambry Genetics
Classification: Uncertain significance. Last evaluated: 2023-11-09. Review status: criteria provided, single submitter. Criteria: Ambry Variant Classification Scheme 2023. Collection method: clinical testing. Allele origin: germline.
Comment: The p.A51D variant (also known as c.152C>A), located in coding exon 2 of the IDH1 gene, results from a C to A substitution at nucleotide position 152. The alanine at codon 51 is replaced by aspartic acid, an amino acid with dissimilar properties. This amino acid position is conserved. In addition, the in silico prediction for this alteration is inconclusive. Since supporting evidence is limited at this time, the clinical significance of this alteration remains unclear.

NM_005896.4(IDH1):c.152C>A (p.Ala51Asp)

Gene: IDH1 (isocitrate dehydrogenase (NADP(+)) 1; minus strand). Cytogenetic location: 2q34.
Variant type: single nucleotide variant.
Coding change: c.152C>A on transcript NM_005896.4 (MANE Select); coding-DNA position 152, C replaced by A.
Protein change: p.Ala51Asp; replaces alanine 51 with aspartic acid.
Molecular consequence: missense variant.
Genome position (GRCh38, 1-based): chr2:208,248,631, G>T on the plus strand (C>A on the coding strand, the complement: IDH1 is on the minus strand). VCF-style: chr2-208248631-G-T. GRCh37 (hg19) VCF-style: chr2-209113355-G-T.
Other names: c.152C>A, p.Ala51Asp (NM_001282386.1, NM_001282387.1); short protein forms A51D.
Identifiers: ClinVar variation 1774588 (VCV001774588.2), dbSNP rs1390836979, ClinGen allele CA350102503.